The following is an entry in ClinVar:

ClinVar aggregate classification (germline): Pathogenic (1 of 4 stars; one submission).

Submission:

Labcorp Genetics (formerly Invitae), Labcorp
Classification: Pathogenic. Last evaluated: 2023-11-15. Review status: criteria provided, single submitter. Criteria: Invitae Variant Classification Sherloc (09022015). Collection method: clinical testing. Allele origin: germline.
Comment: This sequence change creates a premature translational stop signal (p.Asp238Glyfs*8) in the TK2 gene. While this is not anticipated to result in nonsense mediated decay, it is expected to disrupt the last 28 amino acid(s) of the TK2 protein. This variant is not present in population databases (gnomAD no frequency). This variant has not been reported in the literature in individuals affected with TK2-related conditions. Algorithms developed to predict the effect of sequence changes on RNA splicing suggest that this variant may disrupt the consensus splice site. This variant disrupts a region of the TK2 protein in which other variant(s) (p.R254*) have been determined to be pathogenic (PMID: 12655576). This suggests that this is a clinically significant region of the protein, and that variants that disrupt it are likely to be disease-causing. For these reasons, this variant has been classified as Pathogenic.

Literature cited by the submitters: PubMed 12655576.

NM_004614.5(TK2):c.713_723del (p.Asp238fs)

Gene: TK2 (thymidine kinase 2; minus strand). Cytogenetic location: 16q21.
Variant type: Deletion.
Coding change: c.713_723del on transcript NM_004614.5 (MANE Select); coding-DNA positions 713 to 723, 11 bases deleted (ACCACCACATG).
Protein change: p.Asp238fs; shifts the reading frame from aspartic acid 238.
Molecular consequence: frameshift variant. On other transcripts: 3 prime UTR variant (1), non-coding transcript variant (1).
Genome position (GRCh38, 1-based): chr16:66,512,043-66,512,053, CATGTGGTGGT deleted on the plus strand (ACCACCACATG on the coding strand, the reverse complement: TK2 is on the minus strand); deleting any 11 consecutive bases within chr16:66,512,043-66,512,055 gives the same sequence; the c. name uses the placement nearest the transcript's 3' end. VCF-style (leftmost placement, unchanged base first): chr16-66512042-CCATGTGGTGGT-C. GRCh37 (hg19) VCF-style: chr16-66545945-CCATGTGGTGGT-C.
Other names: c.620_630del, p.Asp207fs (NM_001172643.1); c.638_648del, p.Asp213fs (NM_001172644.2); c.659_669del, p.Asp220fs (NM_001172645.2); c.566_576del, p.Asp189fs (NM_001271934.2); c.*10_*20del (NM_001271935.1); c.422_432del, p.Asp141fs (NM_001272050.2); short protein forms D141fs, D189fs, D213fs, D207fs, D220fs, D238fs.
Identifiers: ClinVar variation 2716150 (VCV002716150.1), dbSNP rs2507068187, ClinGen allele CA2576019259.
Genomic context (GRCh38, chr16:66,512,042, plus strand): 5'-TCCGATTCTCTGGAGTTAATATTCGATCCCGATTTTGTTCAAAGAGTTCTAACATCCTCT[CCATGTGGTGGT>C]CAGCCTCAATCACCTGGAAATTAGACACATGGGTCACAAGGCTGCACTGACCTCAGCAGC-3'